The following is an entry in ClinVar:

ClinVar aggregate classification (germline): Benign/Likely benign. Review status: criteria provided, multiple submitters, no conflicts (2 of 4 stars). 8 submissions from 8 submitters: Benign (5); Likely benign (3). Last evaluated 2026-06-09.

Conditions:
AP4B1-related disorder. Also called: AP4B1-related condition.
Inborn genetic diseases. Identifiers: MedGen C0950123, MeSH D030342.
Hereditary spastic paraplegia. Also called: Familial spastic paraparesis. Identifiers: Orphanet 685, MedGen C0037773, MONDO:0019064. Disease mechanism: loss of function.
Hereditary spastic paraplegia 47. Also called: Spastic paraplegia 47, autosomal recessive; adaptor protein 4 (AP-4) deficiency syndrome; CEREBRAL PALSY, SPASTIC QUADRIPLEGIC, 5. Identifiers: Orphanet 280763, MedGen C3279738, MONDO:0013551, OMIM 614066.

Allele frequency attached by ClinVar (database versions not stated): ExAC 0.00120; gnomAD 0.00418 and 0.00445; 1000 Genomes Project 0.00439; TOPMed 0.00467; 1000 Genomes Project 30x 0.00468; ESP Exome Variant Server 0.00515; gnomAD exomes 0.00040 and 0.00105.
gnomAD v4.1: 1,238 of 1,609,252 alleles (0.077%); highest among the groups gnomAD compares: African/African-American, 1.5%; 14 homozygotes.

Submissions (8):

PreventionGenetics, part of Exact Sciences
Classification: Benign for AP4B1-related condition. Last evaluated: 2026-06-09. Review status: criteria provided, single submitter. Criteria: ACMG Guidelines, 2015. Collection method: clinical testing. Allele origin: germline.
Comment: This variant is classified as benign based on ACMG/AMP sequence variant interpretation guidelines (Richards et al. 2015 PMID: 25741868, with internal and published modifications).

Labcorp Genetics (formerly Invitae), Labcorp
Classification: Benign for Hereditary spastic paraplegia 47. Last evaluated: 2026-01-24. Review status: criteria provided, single submitter. Criteria: Invitae Variant Classification Sherloc (09022015). Collection method: clinical testing. Allele origin: germline.

CeGaT Center for Human Genetics Tuebingen
Classification: Benign. Last evaluated: 2025-11-01. Review status: criteria provided, single submitter. Criteria: CeGaT Center For Human Genetics Tuebingen Variant Classification Criteria Version 2. Collection method: clinical testing. Allele origin: germline. Affected: yes. Observed: 3 variant alleles.
Comment: AP4B1: BS1, BS2

GeneDx
Classification: Likely benign. Last evaluated: 2023-11-01. Review status: criteria provided, single submitter. Criteria: GeneDx Variant Classification Process June 2021. Collection method: clinical testing. Allele origin: germline. Affected: yes.
Comment: See Variant Classification Assertion Criteria.

Genome-Nilou Lab
Classification: Likely benign for Hereditary spastic paraplegia 47. Last evaluated: 2023-04-11. Review status: criteria provided, single submitter. Criteria: ACMG Guidelines, 2015. Collection method: clinical testing. Allele origin: germline. Affected: no.

Genome Diagnostics Laboratory, The Hospital for Sick Children
Classification: Likely benign for Hereditary spastic paraplegia. Last evaluated: 2020-04-01. Review status: criteria provided, single submitter. Criteria: ACMG Guidelines, 2015. Collection method: clinical testing. Allele origin: germline. Affected: yes.

Ambry Genetics
Classification: Benign for Inborn genetic diseases. Last evaluated: 2017-06-15. Review status: criteria provided, single submitter. Criteria: Ambry Variant Classification Scheme 2023. Collection method: clinical testing. Allele origin: germline.

Genetic Services Laboratory, University of Chicago
Classification: Benign. Last evaluated: 2014-05-05. Review status: criteria provided, single submitter. Criteria: ACMG Guidelines, 2015. Collection method: clinical testing. Allele origin: germline. Inheritance: Autosomal recessive inheritance.

NM_001253852.3(AP4B1):c.1189A>G (p.Ile397Val)

Genes: AP4B1 (adaptor related protein complex 4 subunit beta 1; minus strand), AP4B1-AS1 (AP4B1 antisense RNA 1; plus strand). Cytogenetic location: 1p13.2.
Variant type: single nucleotide variant.
Coding change: c.1189A>G on transcript NM_001253852.3 (MANE Select); coding-DNA position 1189, A replaced by G.
Protein change: p.Ile397Val; replaces isoleucine 397 with valine.
Molecular consequence: missense variant.
Genome position (GRCh38, 1-based): chr1:113,898,727, T>C on the plus strand (A>G on the coding strand, the complement: AP4B1 is on the minus strand). VCF-style: chr1-113898727-T-C. GRCh37 (hg19) VCF-style: chr1-114441349-T-C.
Other names: c.892A>G, p.Ile298Val (NM_001253853.3); c.685A>G, p.Ile229Val (NM_001308312.2); c.1189A>G, p.Ile397Val (NM_006594.5); short protein forms I397V, I298V, I229V.
Identifiers: ClinVar variation 157716 (VCV000157716.48), dbSNP rs145182838, ClinGen allele CA171104.